The following is an entry in ClinVar:

ClinVar aggregate classification (germline): Uncertain significance (1 of 4 stars; one submission).

Conditions:
Cardiovascular phenotype. Identifiers: MedGen CN230736.

Allele frequency attached by ClinVar (database versions not stated): gnomAD exomes 0.00004; ExAC 0.00009; 1000 Genomes Project 30x 0.00016; 1000 Genomes Project 0.00020.
gnomAD v4.1: 55 of 1,609,712 alleles (0.0034%); highest among the groups gnomAD compares: South Asian, 0.06%; no homozygotes.

Submission:

Ambry Genetics
Classification: Uncertain significance for Cardiovascular phenotype. Last evaluated: 2025-02-20. Review status: criteria provided, single submitter. Criteria: Ambry Variant Classification Scheme 2023. Collection method: clinical testing. Allele origin: germline.
Comment: The p.A114S variant (also known as c.340G>T), located in coding exon 1 of the LOX gene, results from a G to T substitution at nucleotide position 340. The alanine at codon 114 is replaced by serine, an amino acid with similar properties. This amino acid position is conserved. In addition, this alteration is predicted to be tolerated by in silico analysis. Based on the available evidence, the clinical significance of this variant remains unclear.

NM_002317.7(LOX):c.340G>T (p.Ala114Ser)

Genes: LOX (lysyl oxidase; minus strand), SRFBP1 (serum response factor binding protein 1; plus strand). Cytogenetic location: 5q23.1.
Variant type: single nucleotide variant.
Coding change: c.340G>T on transcript NM_002317.7 (MANE Select); coding-DNA position 340, G replaced by T.
Protein change: p.Ala114Ser; replaces alanine 114 with serine.
Molecular consequence: missense variant.
Genome position (GRCh38, 1-based): chr5:122,077,646, C>A on the plus strand (G>T on the coding strand, the complement: LOX is on the minus strand). VCF-style: chr5-122077646-C-A. GRCh37 (hg19) VCF-style: chr5-121413341-C-A.
Other names: short protein forms A114S.
Identifiers: ClinVar variation 2596877 (VCV002596877.3), dbSNP rs369288671, ClinGen allele CA3384058.